The following is an entry in ClinVar:

ClinVar aggregate classification (germline): Uncertain significance. Review status: criteria provided, multiple submitters, no conflicts (2 of 4 stars). 2 submissions from 2 submitters: Uncertain significance (2). Last evaluated 2025-12-29.

Conditions:
Renal cell carcinoma. Identifiers: Orphanet 217071, MedGen C0007134, MeSH D002292, MONDO:0005086, HP:0005584.

Submissions (3):

Center for Genomic Medicine, Rigshospitalet, Copenhagen University Hospital
Classification: Uncertain significance. Last evaluated: 2025-12-29. Review status: criteria provided, single submitter. Criteria: ACMG Guidelines, 2015. Collection method: clinical testing. Allele origin: germline.

Labcorp Genetics (formerly Invitae), Labcorp
Classification: Uncertain significance for Renal cell carcinoma. Last evaluated: 2025-11-02. Review status: criteria provided, single submitter. Criteria: Invitae Variant Classification Sherloc (09022015). Collection method: clinical testing. Allele origin: germline.
Comment: This sequence change replaces arginine, which is basic and polar, with leucine, which is neutral and non-polar, at codon 469 of the MET protein (p.Arg469Leu). This variant is not present in population databases (gnomAD no frequency). This variant has not been reported in the literature in individuals affected with MET-related conditions. Invitae Evidence Modeling of protein sequence and biophysical properties (such as structural, functional, and spatial information, amino acid conservation, physicochemical variation, residue mobility, and thermodynamic stability) has been performed for this missense variant. However, the output from this modeling did not meet the statistical confidence thresholds required to predict the impact of this variant on MET protein function. In summary, the available evidence is currently insufficient to determine the role of this variant in disease. Therefore, it has been classified as a Variant of Uncertain Significance.

Dr. Peter K. Rogan Lab, Western University
No classification provided (evidence only). Condition: Melanoma. Review status: no classification provided. Collection method: in vitro. Allele origin: not applicable. Functional consequence: retained intron. Not counted in ClinVar's aggregate classification.

NM_000245.4(MET):c.1406G>T (p.Arg469Leu)

Gene: MET (MET proto-oncogene, receptor tyrosine kinase; plus strand). Cytogenetic location: 7q31.2.
Variant type: single nucleotide variant.
Coding change: c.1406G>T on transcript NM_000245.4 (MANE Select); coding-DNA position 1406, G replaced by T.
Protein change: p.Arg469Leu; replaces arginine 469 with leucine.
Molecular consequence: missense variant.
Genome position (GRCh38, 1-based): chr7:116,739,963, G>T. VCF-style: chr7-116739963-G-T. GRCh37 (hg19) VCF-style: chr7-116380017-G-T.
Other names: NC_000007.13:g.116380017G>T; c.1406G>T, p.Arg469Leu (NM_001127500.3, NM_001324401.3); c.116G>T, p.Arg39Leu (NM_001324402.2); short protein forms R39L, R469L.
Identifiers: ClinVar variation 4332597 (VCV004332597.3).